The following is an entry in ClinVar:

NM_001145026.2(PTPRQ):c.3445G>A (p.Val1149Ile)

Gene: PTPRQ (protein tyrosine phosphatase receptor type Q; plus strand). Cytogenetic location: 12q21.31.
Variant type: single nucleotide variant.
Coding change: c.3445G>A on transcript NM_001145026.2 (MANE Select); coding-DNA position 3445, G replaced by A.
Protein change: p.Val1149Ile; replaces valine 1149 with isoleucine.
Molecular consequence: missense variant.
Genome position (GRCh38, 1-based): chr12:80,541,845, G>A. VCF-style: chr12-80541845-G-A. GRCh37 (hg19) VCF-style: chr12-80935624-G-A.
Other names: short protein forms V1149I.
Identifiers: ClinVar variation 4534724 (VCV004534724.6).

ClinVar aggregate classification (germline): Uncertain significance (1 of 4 stars; one submission).

gnomAD v4.1: 2 of 1,534,304 alleles (0.00013%); highest among the groups gnomAD compares: Admixed American, 0.0021%; no homozygotes.

Submission:

CeGaT Center for Human Genetics Tuebingen
Classification: Uncertain significance. Last evaluated: 2025-11-01. Review status: criteria provided, single submitter. Criteria: CeGaT Center For Human Genetics Tuebingen Variant Classification Criteria Version 2. Collection method: clinical testing. Allele origin: germline. Affected: yes. Observed: 1 variant allele.
Comment: PTPRQ: PM2, PP3